The following is an entry in ClinVar:

NM_004656.4(BAP1):c.656C>T (p.Ala219Val)

Gene: BAP1 (BRCA1 associated deubiquitinase 1; minus strand). Cytogenetic location: 3p21.1.
Variant type: single nucleotide variant.
Coding change: c.656C>T on transcript NM_004656.4 (MANE Select); coding-DNA position 656, C replaced by T.
Protein change: p.Ala219Val; replaces alanine 219 with valine.
Molecular consequence: missense variant.
Genome position (GRCh38, 1-based): chr3:52,406,832, G>A on the plus strand (C>T on the coding strand, the complement: BAP1 is on the minus strand). VCF-style: chr3-52406832-G-A. GRCh37 (hg19) VCF-style: chr3-52440848-G-A.
Other names: short protein forms A219V.
Identifiers: ClinVar variation 1406060 (VCV001406060.8), dbSNP rs2153227625, ClinGen allele CA353108711.

ClinVar aggregate classification (germline): Uncertain significance (1 of 4 stars; one submission).

Conditions:
BAP1-related tumor predisposition syndrome (TPDS1). Also called: Tumor susceptibility linked to germline BAP1 mutations; BAP1 tumor predisposition syndrome; COMMON Syndrome; TUMOR PREDISPOSITION SYNDROME 1. Identifiers: Orphanet 289539, MedGen C3280492, MONDO:0013692, OMIM 614327.

Submission:

Labcorp Genetics (formerly Invitae), Labcorp
Classification: Uncertain significance for BAP1-related tumor predisposition syndrome. Last evaluated: 2021-07-17. Review status: criteria provided, single submitter. Criteria: Invitae Variant Classification Sherloc (09022015). Collection method: clinical testing. Allele origin: germline.
Comment: This sequence change replaces alanine with valine at codon 219 of the BAP1 protein (p.Ala219Val). The alanine residue is highly conserved and there is a small physicochemical difference between alanine and valine. This variant is not present in population databases (ExAC no frequency). This variant has not been reported in the literature in individuals affected with BAP1-related conditions. Algorithms developed to predict the effect of missense changes on protein structure and function are either unavailable or do not agree on the potential impact of this missense change (SIFT: "Deleterious"; PolyPhen-2: "Probably Damaging"; Align-GVGD: "Class C0"). In summary, the available evidence is currently insufficient to determine the role of this variant in disease. Therefore, it has been classified as a Variant of Uncertain Significance.